The following is an entry in ClinVar:

NM_000426.4(LAMA2):c.255C>T (p.Ile85=)

Gene: LAMA2 (laminin subunit alpha 2; plus strand). Cytogenetic location: 6q22.33.
Variant type: single nucleotide variant.
Coding change: c.255C>T on transcript NM_000426.4 (MANE Select); coding-DNA position 255, C replaced by T.
Protein change: p.Ile85=; no amino-acid change (isoleucine 85 retained).
Molecular consequence: synonymous variant.
Genome position (GRCh38, 1-based): chr6:129,050,060, C>T. VCF-style: chr6-129050060-C-T. GRCh37 (hg19) VCF-style: chr6-129371205-C-T.
Other names: p.Ile85=; c.255C>T, p.Ile85= (NM_001079823.2).
Identifiers: ClinVar variation 129436 (VCV000129436.56), dbSNP rs142083777, ClinGen allele CA153433.

ClinVar aggregate classification (germline): Conflicting classifications of pathogenicity. Review status: criteria provided, conflicting classifications (1 of 4 stars). 11 submissions from 11 submitters: Uncertain significance (2); Likely benign (6). 3 of the submissions do not count toward it. Last evaluated 2026-01-22.

Conditions:
LAMA2-related muscular dystrophy (LAMA2-RD). Also called: Laminin alpha 2-related dystrophy. Identifiers: MedGen C5679788, MONDO:0100228.
Congenital muscular dystrophy due to partial LAMA2 deficiency. Identifiers: MedGen C1842898.

Allele frequency attached by ClinVar (database versions not stated): 1000 Genomes Project 0.00040; 1000 Genomes Project 30x 0.00047; gnomAD exomes 0.00053 and 0.00100; ExAC 0.00058; ESP Exome Variant Server 0.00100; gnomAD 0.00115 and 0.00116; TOPMed 0.00144.
gnomAD v4.1: 1,633 of 1,614,172 alleles (0.1%); highest among the groups gnomAD compares: Non-Finnish European, 0.12%; 6 homozygotes.

Submissions (11):

Labcorp Genetics (formerly Invitae), Labcorp
Classification: Likely benign for LAMA2-related muscular dystrophy. Last evaluated: 2026-01-22. Review status: criteria provided, single submitter. Criteria: Invitae Variant Classification Sherloc (09022015). Collection method: clinical testing. Allele origin: germline.

CeGaT Center for Human Genetics Tuebingen
Classification: Likely benign. Last evaluated: 2025-07-01. Review status: criteria provided, single submitter. Criteria: CeGaT Center For Human Genetics Tuebingen Variant Classification Criteria Version 2. Collection method: clinical testing. Allele origin: germline. Affected: yes. Observed: 4 variant alleles.
Comment: LAMA2: BP4, BP7

Athena Diagnostics
Classification: Likely benign. Last evaluated: 2025-06-05. Review status: criteria provided, single submitter. Criteria: Athena Diagnostics Criteria. Collection method: clinical testing. Allele origin: unknown.
Comment: Computational tools yielded predictions that this variant is unlikely to have an effect on normal RNA splicing. This nucleotide position exhibits low evolutionary conservation.

Blueprint Genetics
Classification: Likely benign. Last evaluated: 2024-10-24. Review status: criteria provided, single submitter. Criteria: ACMG Guidelines, 2015. Collection method: clinical testing. Allele origin: germline.

Mayo Clinic Laboratories, Mayo Clinic
Classification: Likely benign. Last evaluated: 2024-08-27. Review status: criteria provided, single submitter. Criteria: ACMG Guidelines, 2015. Collection method: clinical testing. Allele origin: germline. Observed: 5 variant alleles.
Comment: BS2, BP4, BP7

GeneDx
Classification: Likely benign. Last evaluated: 2019-07-01. Review status: criteria provided, single submitter. Criteria: GeneDx Variant Classification Process June 2021. Collection method: clinical testing. Allele origin: germline. Affected: yes.
Comment: This variant is associated with the following publications: (PMID: 30055037)

Illumina Laboratory Services, Illumina
Classification: Uncertain significance for Congenital muscular dystrophy due to partial LAMA2 deficiency. Last evaluated: 2018-01-13. Review status: criteria provided, single submitter. Criteria: ICSL Variant Classification Criteria 13 December 2019. Collection method: clinical testing. Allele origin: germline.

Eurofins Ntd Llc (ga)
Classification: Uncertain significance. Last evaluated: 2015-05-06. Review status: criteria provided, single submitter. Criteria: EGL Classification Definitions 2015. Collection method: clinical testing. Allele origin: germline. Observed: 5 variant alleles, 5 heterozygotes.

Clinical Genetics DNA and cytogenetics Diagnostics Lab, Erasmus MC, Erasmus Medical Center
Classification: Likely benign. Review status: no assertion criteria provided. Collection method: clinical testing. Allele origin: germline. Affected: yes. Study: VKGL Data-share Consensus. Not counted in ClinVar's aggregate classification.

Clinical Genetics, Academic Medical Center
Classification: Benign. Review status: no assertion criteria provided. Collection method: clinical testing. Allele origin: germline. Affected: yes. Study: VKGL Data-share Consensus. Not counted in ClinVar's aggregate classification.

Genetic Services Laboratory, University of Chicago
Classification: Likely benign for AllHighlyPenetrant. Review status: no assertion criteria provided. Collection method: clinical testing. Allele origin: germline. Inheritance: Autosomal recessive inheritance. Not counted in ClinVar's aggregate classification.
Comment: Likely benign based on allele frequency in 1000 Genomes Project or ESP global frequency and its presence in a patient with a rare or unrelated disease phenotype. NOT Sanger confirmed.